The following is an entry in ClinVar:

NM_198578.4(LRRK2):c.6210A>C (p.Gly2070=)

Gene: LRRK2 (leucine rich repeat kinase 2; plus strand). Cytogenetic location: 12q12.
Variant type: single nucleotide variant.
Coding change: c.6210A>C on transcript NM_198578.4 (MANE Select); coding-DNA position 6210, A replaced by C.
Protein change: p.Gly2070=; no amino-acid change (glycine 2070 retained).
Molecular consequence: synonymous variant.
Genome position (GRCh38, 1-based): chr12:40,346,853, A>C. VCF-style: chr12-40346853-A-C. GRCh37 (hg19) VCF-style: chr12-40740655-A-C.
Other names: p.Gly2070=.
Identifiers: ClinVar variation 1752219 (VCV001752219.3), dbSNP rs149694980, ClinGen allele CA6514624.
Genomic context (GRCh38, chr12:40,346,853, plus strand): 5'-TAACCAACAGGCTGATGTTTATTCATTTGGTTTACTACTCTATGACATTTTGACAACTGG[A>C]GGTAGAATAGTAGAGGGTTTGAAGTTTCCAAATGAGTTTGATGAATTAGAAATACAAGGA-3'
Protein context (NP_940980.4, residues 2060-2080): GLLLYDILTT[Gly2070=]GRIVEGLKFP

ClinVar aggregate classification (germline): Likely benign. Review status: criteria provided, multiple submitters, no conflicts (2 of 4 stars). 2 submissions from 2 submitters: Likely benign (2). Last evaluated 2025-06-23.

Conditions:
Inborn genetic diseases. Identifiers: MedGen C0950123, MeSH D030342.

Allele frequency attached by ClinVar (database versions not stated): ESP Exome Variant Server 0.00008; ExAC 0.00001.
gnomAD v4.1: 1 of 1,613,776 alleles (0.000062%); highest among the groups gnomAD compares: Non-Finnish European, 0.000085%; no homozygotes.

Submissions (2):

Mayo Clinic Laboratories, Mayo Clinic
Classification: Likely benign. Last evaluated: 2025-06-23. Review status: criteria provided, single submitter. Criteria: ACMG Guidelines, 2015. Collection method: clinical testing. Allele origin: germline. Observed: 1 variant allele.
Comment: BP4, BP7

Ambry Genetics
Classification: Likely benign for Inborn genetic diseases. Last evaluated: 2022-05-14. Review status: criteria provided, single submitter. Criteria: Ambry Variant Classification Scheme 2023. Collection method: clinical testing. Allele origin: germline.